The following is an entry in ClinVar:

NM_005050.4(ABCD4):c.932G>A (p.Ser311Asn)

Gene: ABCD4 (ATP binding cassette subfamily D member 4; minus strand). Cytogenetic location: 14q24.3.
Variant type: single nucleotide variant.
Coding change: c.932G>A on transcript NM_005050.4 (MANE Select); coding-DNA position 932, G replaced by A.
Protein change: p.Ser311Asn; replaces serine 311 with asparagine.
Molecular consequence: missense variant. On other transcripts: non-coding transcript variant (10).
Genome position (GRCh38, 1-based): chr14:74,292,752, C>T on the plus strand (G>A on the coding strand, the complement: ABCD4 is on the minus strand). VCF-style: chr14-74292752-C-T. GRCh37 (hg19) VCF-style: chr14-74759455-C-T.
Other names: c.806G>A, p.Ser269Asn (NM_001353591.2, NM_001353592.2); c.671G>A, p.Ser224Asn (NM_001353593.2); c.620G>A, p.Ser207Asn (NM_001353594.2); c.518G>A, p.Ser173Asn (NM_001353595.2, NM_001353596.2); c.467G>A, p.Ser156Asn (NM_001353597.2); c.455G>A, p.Ser152Asn (NM_001353598.2, NM_001353599.2, NM_001353600.2 and 3 more transcripts); c.143G>A, p.Ser48Asn (NM_001353602.2, NM_001353603.2, NM_001353604.2 and 6 more transcripts); c.932G>A, p.Ser311Asn (NM_001440752.1, NM_001440753.1, NM_020325.3); and 1 more; short protein forms S152N, S173N, S224N, S156N, S311N, S220N, S48N, S207N.
Identifiers: ClinVar variation 4745756 (VCV004745756.1).

ClinVar aggregate classification (germline): Uncertain significance (1 of 4 stars; one submission).

Conditions:
Methylmalonic acidemia with homocystinuria, type cblJ (MAHCJ). Also called: METHYLMALONIC ACIDURIA AND HOMOCYSTINURIA, cblJ TYPE. Identifiers: Orphanet 369955, MedGen C3553915, MONDO:0013925, OMIM 614857.

Submission:

Labcorp Genetics (formerly Invitae), Labcorp
Classification: Uncertain significance for Methylmalonic acidemia with homocystinuria, type cblJ. Last evaluated: 2025-10-26. Review status: criteria provided, single submitter. Criteria: Invitae Variant Classification Sherloc (09022015). Collection method: clinical testing. Allele origin: germline.
Comment: This sequence change replaces serine, which is neutral and polar, with asparagine, which is neutral and polar, at codon 311 of the ABCD4 protein (p.Ser311Asn). This variant is not present in population databases (gnomAD no frequency). This variant has not been reported in the literature in individuals affected with ABCD4-related conditions. An algorithm developed to predict the effect of missense changes on protein structure and function (PolyPhen-2) suggests that this variant is likely to be disruptive. In summary, the available evidence is currently insufficient to determine the role of this variant in disease. Therefore, it has been classified as a Variant of Uncertain Significance.